The following is an entry in ClinVar:

ClinVar aggregate classification (germline): Uncertain significance (1 of 4 stars; one submission).

Submission:

Labcorp Genetics (formerly Invitae), Labcorp
Classification: Uncertain significance. Last evaluated: 2022-09-22. Review status: criteria provided, single submitter. Criteria: Invitae Variant Classification Sherloc (09022015). Collection method: clinical testing. Allele origin: germline.
Comment: Advanced modeling of protein sequence and biophysical properties (such as structural, functional, and spatial information, amino acid conservation, physicochemical variation, residue mobility, and thermodynamic stability) performed at Invitae indicates that this missense variant is not expected to disrupt KMT2A protein function. This variant has not been reported in the literature in individuals affected with KMT2A-related conditions. This variant is not present in population databases (gnomAD no frequency). This sequence change replaces threonine, which is neutral and polar, with alanine, which is neutral and non-polar, at codon 943 of the KMT2A protein (p.Thr943Ala). In summary, the available evidence is currently insufficient to determine the role of this variant in disease. Therefore, it has been classified as a Variant of Uncertain Significance.

NM_001197104.2(KMT2A):c.2827A>G (p.Thr943Ala)

Gene: KMT2A (lysine methyltransferase 2A; plus strand). Cytogenetic location: 11q23.3.
Variant type: single nucleotide variant.
Coding change: c.2827A>G on transcript NM_001197104.2 (MANE Select); coding-DNA position 2827, A replaced by G.
Protein change: p.Thr943Ala; replaces threonine 943 with alanine.
Molecular consequence: missense variant.
Genome position (GRCh38, 1-based): chr11:118,473,986, A>G. VCF-style: chr11-118473986-A-G. GRCh37 (hg19) VCF-style: chr11-118344701-A-G.
Other names: c.2926A>G, p.Thr976Ala (NM_001412597.1); c.2827A>G, p.Thr943Ala (NM_005933.4); short protein forms T943A, T976A.
Identifiers: ClinVar variation 1720095 (VCV001720095.5), dbSNP rs2496815856, ClinGen allele CA382818181.
Genomic context (GRCh38, chr11:118,473,986, plus strand): 5'-ACTTCATCTTCTGCCAAAAAAGCAACAGGGCGGAAGAAGTCTTCATCACATGATTCTGGG[A>G]CTGATATTACTTCTGTGACTCTTGGGGATACAACAGCTGTCAAAACCAAAATACTTATAA-3'
Protein context (NP_001184033.1, residues 933-953): RKKSSSHDSG[Thr943Ala]DITSVTLGDT